The following is an entry in ClinVar:

ClinVar aggregate classification (germline): Likely pathogenic (1 of 4 stars; one submission).

Submission:

Labcorp Genetics (formerly Invitae), Labcorp
Classification: Likely pathogenic. Last evaluated: 2024-02-23. Review status: criteria provided, single submitter. Criteria: Invitae Variant Classification Sherloc (09022015). Collection method: clinical testing. Allele origin: germline.
Comment: This sequence change affects a donor splice site in intron 42 of the COL4A1 gene. It is expected to disrupt RNA splicing. Variants that disrupt the donor or acceptor splice site typically lead to a loss of protein function (PMID: 16199547), and loss-of-function variants in COL4A1 are known to be pathogenic (PMID: 23225343). This variant is not present in population databases (gnomAD no frequency). Disruption of this splice site has been observed in individual(s) with clinical features of COL4A1-related conditions (PMID: 34906502). Algorithms developed to predict the effect of sequence changes on RNA splicing suggest that this variant may disrupt the consensus splice site. In summary, the currently available evidence indicates that the variant is pathogenic, but additional data are needed to prove that conclusively. Therefore, this variant has been classified as Likely Pathogenic.

Literature cited by the submitters: PubMed 16199547; PubMed 23225343; PubMed 34906502.

NM_001845.6(COL4A1):c.3742+1G>C

Gene: COL4A1 (collagen type IV alpha 1 chain; minus strand). Cytogenetic location: 13q34.
Variant type: single nucleotide variant.
Coding change: c.3742+1G>C on transcript NM_001845.6 (MANE Select); the canonical splice donor site of the intron after coding-DNA position 3742, G replaced by C.
Molecular consequence: splice donor variant.
Genome position (GRCh38, 1-based): chr13:110,170,546, C>G on the plus strand (G>C on the coding strand, the complement: COL4A1 is on the minus strand). VCF-style: chr13-110170546-C-G. GRCh37 (hg19) VCF-style: chr13-110822893-C-G.
Identifiers: ClinVar variation 3642808 (VCV003642808.2).